The following is an entry in ClinVar:

ClinVar aggregate classification (germline): Uncertain significance (1 of 4 stars; one submission).

Conditions:
Diamond-Blackfan anemia. Also called: Blackfan Diamond syndrome; Aregenerative anemia chronic congenital; Red cell aplasia, pure hereditary; Congenital hypoplastic anemia; Aase syndrome. Identifiers: Orphanet 124, MedGen C1260899, MeSH D029503, MONDO:0015253, HP:0004810.

Allele frequency attached by ClinVar (database versions not stated): TOPMed below 0.00001; gnomAD 0.00001.

Submission:

Labcorp Genetics (formerly Invitae), Labcorp
Classification: Uncertain significance for Diamond-Blackfan anemia. Last evaluated: 2025-03-03. Review status: criteria provided, single submitter. Criteria: Invitae Variant Classification Sherloc (09022015). Collection method: clinical testing. Allele origin: germline.
Comment: This sequence change falls in intron 3 of the RPS24 gene. It does not directly change the encoded amino acid sequence of the RPS24 protein. It affects a nucleotide within the consensus splice site. This variant is not present in population databases (gnomAD no frequency). This variant has not been reported in the literature in individuals affected with RPS24-related conditions. ClinVar contains an entry for this variant (Variation ID: 1500195). Variants that disrupt the consensus splice site are a relatively common cause of aberrant splicing (PMID: 17576681, 9536098). Algorithms developed to predict the effect of sequence changes on RNA splicing suggest that this variant may disrupt the consensus splice site. In summary, the available evidence is currently insufficient to determine the role of this variant in disease. Therefore, it has been classified as a Variant of Uncertain Significance.

Literature cited by the submitters: PubMed 17576681; PubMed 9536098.

NM_033022.4(RPS24):c.279+2dup

Gene: RPS24 (ribosomal protein S24; plus strand). Cytogenetic location: 10q22.3.
Variant type: Duplication.
Coding change: c.279+2dup on transcript NM_033022.4 (MANE Select); the canonical splice donor site of the intron after coding-DNA position 279, one base duplicated (T; older notation c.279+2dupT).
Molecular consequence: splice donor variant.
Genome position (GRCh38, 1-based): chr10:78,035,722, T duplicated. VCF-style (leftmost placement, unchanged base first): chr10-78035721-G-GT. GRCh37 (hg19) VCF-style: chr10-79795479-G-GT.
Other names: c.279+2dup (NM_001142285.2, NM_001142283.2, NM_001142282.2 and 2 more transcripts).
Identifiers: ClinVar variation 1500195 (VCV001500195.6), dbSNP rs1459887559, ClinGen allele CA668642553.
Genomic context (GRCh38, chr10:78,035,721, plus strand): 5'-ATGATTTATGATTCCCTGGATTATGCAAAGAAAAATGAACCCAAACATAGACTTGCAAGA[G>GT]TAGGTGTCTTTTCATTTGTTGATCAGCTCCTGAAGACCTATTTTTTCAATAGCGTTGTGT-3'